The following is an entry in ClinVar:

ClinVar aggregate classification (germline): Likely benign (1 of 4 stars; one submission).

Conditions:
Joubert syndrome 14 (JBTS14). Identifiers: MedGen C3280766, MONDO:0013745, OMIM 614424.

Allele frequency attached by ClinVar (database versions not stated): gnomAD exomes 0.00114; gnomAD 0.00205 and 0.00208; TOPMed 0.00210; 1000 Genomes Project 0.00280; 1000 Genomes Project 30x 0.00312.
gnomAD v4.1: 308 of 153,114 alleles (0.2%); highest among the groups gnomAD compares: African/African-American, 0.72%; no homozygotes.

Submission:

Illumina Laboratory Services, Illumina
Classification: Likely benign for Joubert syndrome 14. Last evaluated: 2018-01-13. Review status: criteria provided, single submitter. Criteria: ICSL Variant Classification Criteria 13 December 2019. Collection method: clinical testing. Allele origin: germline.
Comment: This variant was observed in the ICSL laboratory as part of a predisposition screen in an ostensibly healthy population. It had not been previously curated by ICSL or reported in the Human Gene Mutation Database (HGMD: prior to June 1st, 2018), and was therefore a candidate for classification through an automated scoring system. Utilizing variant allele frequency, disease prevalence and penetrance estimates, and inheritance mode, an automated score was calculated to assess if this variant is too frequent to cause the disease. Based on the score and internal cut-off values, a variant classified as likely benign is not then subjected to further curation. The score for this variant resulted in a classification of likely benign for this disease.

NM_001044385.3(TMEM237):c.*439G>A

Gene: TMEM237 (transmembrane protein 237; minus strand). Cytogenetic location: 2q33.1.
Variant type: single nucleotide variant.
Coding change: c.*439G>A on transcript NM_001044385.3 (MANE Select); 439 bases downstream of the stop codon, G replaced by A.
Molecular consequence: 3 prime UTR variant.
Genome position (GRCh38, 1-based): chr2:201,623,816, C>T on the plus strand (G>A on the coding strand, the complement: TMEM237 is on the minus strand). VCF-style: chr2-201623816-C-T. GRCh37 (hg19) VCF-style: chr2-202488539-C-T.
Other names: c.*439G>A (NM_152388.4).
Identifiers: ClinVar variation 897791 (VCV000897791.4), dbSNP rs139374574, ClinGen allele CA63949780.